The following is an entry in ClinVar:

ClinVar aggregate classification (germline): Likely benign. Review status: criteria provided, multiple submitters, no conflicts (2 of 4 stars). 2 submissions from 2 submitters: Likely benign (2). Last evaluated 2026-08-04.

Conditions:
ABCA4-related disorder. Also called: ABCA4-related condition; ABCA4-related disorders. Identifiers: MedGen CN239167.

Submissions (2):

PreventionGenetics, part of Exact Sciences
Classification: Likely benign for ABCA4-related condition. Last evaluated: 2026-08-04. Review status: criteria provided, single submitter. Criteria: ACMG Guidelines, 2015. Collection method: clinical testing. Allele origin: germline.
Comment: This variant is classified as likely benign based on ACMG/AMP sequence variant interpretation guidelines (Richards et al. 2015 PMID: 25741868, with internal and published modifications).

Labcorp Genetics (formerly Invitae), Labcorp
Classification: Likely benign. Last evaluated: 2025-09-15. Review status: criteria provided, single submitter. Criteria: Invitae Variant Classification Sherloc (09022015). Collection method: clinical testing. Allele origin: germline.

NM_000350.3(ABCA4):c.3813+9G>A

Genes: ABCA4 (ATP binding cassette subfamily A member 4; minus strand), LOC126805794 (BRD4-independent group 4 enhancer GRCh37_chr1:94502188-94503387; plus strand). Cytogenetic location: 1p22.1.
Variant type: single nucleotide variant.
Coding change: c.3813+9G>A on transcript NM_000350.3 (MANE Select); 9 bases into the intron after coding-DNA position 3813, G replaced by A.
Molecular consequence: intron variant.
Genome position (GRCh38, 1-based): chr1:94,037,136, C>T on the plus strand (G>A on the coding strand, the complement: ABCA4 is on the minus strand). VCF-style: chr1-94037136-C-T. GRCh37 (hg19) VCF-style: chr1-94502692-C-T.
Other names: c.3591+9G>A (NM_001425324.1); c.3813+9G>A (NM_000350.2).
Identifiers: ClinVar variation 4727255 (VCV004727255.2).
Genomic context (GRCh38, chr1:94,037,136, plus strand): 5'-ATGTTAGACTTTTTCAAAGAACCGCCACTTCTGGCACTTGACAGAAACCAGCTGGAATCT[C>T]TACTTTACCTCTTCCAGGGGAGTGTCAGAAATTCCAAAACTGCTGAGACCAAGGTCAGCC-3'